The following is an entry in ClinVar:

ClinVar aggregate classification (germline): Likely benign. Review status: criteria provided, multiple submitters, no conflicts (2 of 4 stars). 4 submissions from 4 submitters: Likely benign (4). Last evaluated 2026-01-18.

Conditions:
Ehlers-Danlos syndrome, dermatosparaxis type. Also called: Dermatosparaxis; Ehlers-Danlos syndrome, type VII, autosomal recessive; EDS VIIC. Identifiers: Orphanet 1901, MedGen C2700425, MONDO:0009161, OMIM 225410.

Allele frequency attached by ClinVar (database versions not stated): ExAC 0.00002; gnomAD exomes 0.00002; gnomAD 0.00007 and 0.00008; ESP Exome Variant Server 0.00008; TOPMed 0.00009.
gnomAD v4.1: 65 of 1,611,584 alleles (0.004%); highest among the groups gnomAD compares: Non-Finnish European, 0.0053%; no homozygotes.

Submissions (4):

Labcorp Genetics (formerly Invitae), Labcorp
Classification: Likely benign for Ehlers-Danlos syndrome, dermatosparaxis type. Last evaluated: 2026-01-18. Review status: criteria provided, single submitter. Criteria: Invitae Variant Classification Sherloc (09022015). Collection method: clinical testing. Allele origin: germline.

Mayo Clinic Laboratories, Mayo Clinic
Classification: Likely benign. Last evaluated: 2025-08-14. Review status: criteria provided, single submitter. Criteria: ACMG Guidelines, 2015. Collection method: clinical testing. Allele origin: germline. Observed: 1 variant allele.
Comment: BP4, BP7

Women's Health and Genetics/Laboratory Corporation of America, LabCorp
Classification: Likely benign. Last evaluated: 2025-05-12. Review status: criteria provided, single submitter. Criteria: LabCorp Variant Classification Summary - May 2015. Collection method: clinical testing. Allele origin: germline.

GeneDx
Classification: Likely benign. Last evaluated: 2018-10-30. Review status: criteria provided, single submitter. Criteria: GeneDx Variant Classification Process June 2021. Collection method: clinical testing. Allele origin: germline. Affected: yes.

NM_014244.5(ADAMTS2):c.513G>T (p.Ala171=)

Gene: ADAMTS2 (ADAM metallopeptidase with thrombospondin type 1 motif 2; minus strand). Cytogenetic location: 5q35.3.
Variant type: single nucleotide variant.
Coding change: c.513G>T on transcript NM_014244.5 (MANE Select); coding-DNA position 513, G replaced by T.
Protein change: p.Ala171=; no amino-acid change (alanine 171 retained).
Molecular consequence: synonymous variant.
Genome position (GRCh38, 1-based): chr5:179,343,788, C>A on the plus strand (G>T on the coding strand, the complement: ADAMTS2 is on the minus strand). VCF-style: chr5-179343788-C-A. GRCh37 (hg19) VCF-style: chr5-178770789-C-A.
Other names: p.Ala171=; c.513G>T, p.Ala171= (NM_021599.4).
Identifiers: ClinVar variation 706241 (VCV000706241.15), dbSNP rs369983319, ClinGen allele CA3596315.